The following is an entry in ClinVar:

ClinVar aggregate classification (germline): Benign/Likely benign. Review status: criteria provided, multiple submitters, no conflicts (2 of 4 stars). 5 submissions from 5 submitters: Benign (2); Likely benign (2). 1 of the submissions does not count toward it. Last evaluated 2026-04-24.

Conditions:
GALNT12-related disorder. Also called: GALNT12-related condition.
Colorectal cancer, susceptibility to, 1. Also called: COLORECTAL ADENOMA AND CANCER, SUSCEPTIBILITY TO; COLORECTAL CANCER, SUSCEPTIBILITY TO, ON CHROMOSOME 9. Identifiers: MedGen C1837315, MONDO:0012132, OMIM 608812.

Allele frequency attached by ClinVar (database versions not stated): gnomAD exomes 0.00003 and 0.00007; ExAC 0.00008; gnomAD 0.00003; TOPMed 0.00003.
gnomAD v4.1: 22 of 1,613,708 alleles (0.0014%); highest among the groups gnomAD compares: Admixed American, 0.037%; no homozygotes.

Submissions (5):

Myriad Genetics, Inc.
Classification: Benign for Colorectal cancer, susceptibility to, 1. Last evaluated: 2026-04-24. Review status: criteria provided, single submitter. Criteria: Myriad Autosomal Dominant, Autosomal Recessive and X-Linked Classification Criteria (2023). Collection method: clinical testing. Allele origin: unknown.
Comment: This variant is considered benign. This variant is a silent/synonymous amino acid change and it is not expected to impact splicing.

Labcorp Genetics (formerly Invitae), Labcorp
Classification: Likely benign. Last evaluated: 2025-06-23. Review status: criteria provided, single submitter. Criteria: Invitae Variant Classification Sherloc (09022015). Collection method: clinical testing. Allele origin: germline.

Quest Diagnostics Nichols Institute San Juan Capistrano
Classification: Benign. Last evaluated: 2022-11-23. Review status: criteria provided, single submitter. Criteria: Quest Diagnostics criteria. Collection method: clinical testing. Allele origin: unknown.

Ambry Genetics
Classification: Likely benign. Last evaluated: 2017-02-07. Review status: criteria provided, single submitter. Criteria: Ambry Variant Classification Scheme 2023. Collection method: clinical testing. Allele origin: germline.

PreventionGenetics, part of Exact Sciences
Classification: Likely benign for GALNT12-related condition. Last evaluated: 2024-03-18. Review status: no assertion criteria provided. Collection method: clinical testing. Allele origin: germline. Not counted in ClinVar's aggregate classification.
Comment: This variant is classified as likely benign based on ACMG/AMP sequence variant interpretation guidelines (Richards et al. 2015 PMID: 25741868, with internal and published modifications).

NM_024642.5(GALNT12):c.909T>C (p.Asp303=)

Gene: GALNT12 (polypeptide N-acetylgalactosaminyltransferase 12; plus strand). Cytogenetic location: 9q22.33.
Variant type: single nucleotide variant.
Coding change: c.909T>C on transcript NM_024642.5 (MANE Select); coding-DNA position 909, T replaced by C.
Protein change: p.Asp303=; no amino-acid change (aspartic acid 303 retained).
Molecular consequence: synonymous variant.
Genome position (GRCh38, 1-based): chr9:98,831,949, T>C. VCF-style: chr9-98831949-T-C. GRCh37 (hg19) VCF-style: chr9-101594231-T-C.
Identifiers: ClinVar variation 485635 (VCV000485635.17), dbSNP rs777028537, ClinGen allele CA5154097.
Genomic context (GRCh38, chr9:98,831,949, plus strand): 5'-GGTGTTCACGTGGCACACAGTTCCTGAGAGGGAGAGGATACGGATGCAATCCCCCGTCGA[T>C]GTCATCAGGTCAGGAGCTGACTTCTGGGTGACTTGTTTTTTAAGCATGCCTCATTGAATC-3'
Protein context (NP_078918.3, residues 293-313): RERIRMQSPV[Asp303=]VIRSPTMAGG